The following is an entry in ClinVar:

ClinVar aggregate classification (germline): Likely pathogenic (1 of 4 stars; one submission).

Conditions:
Inborn genetic diseases. Identifiers: MedGen C0950123, MeSH D030342.

Submission:

Ambry Genetics
Classification: Likely pathogenic for Inborn genetic diseases. Last evaluated: 2024-01-29. Review status: criteria provided, single submitter. Criteria: Ambry Variant Classification Scheme 2023. Collection method: clinical testing. Allele origin: germline.
Comment: The c.5645C>A (p.T1882N) alteration is located in exon 27 (coding exon 27) of the DYNC1H1 gene. This alteration results from a C to A substitution at nucleotide position 5645, causing the threonine (T) at amino acid position 1882 to be replaced by an asparagine (N). This variant was not reported in population-based cohorts in the Genome Aggregation Database (gnomAD). This variant has been determined to be the result of a de novo mutation in one individual with features consistent with DYNC1H1-related neurodevelopmental disorder (Hamanaka, 2022). This amino acid position is highly conserved in available vertebrate species. This missense alteration is located in a region that has a low rate of benign missense variation (Lek, 2016; Firth, 2009). This alteration is predicted to be tolerated by in silico analysis. Based on the available evidence, this alteration is classified as likely pathogenic.

Literature cited by the submitters: PubMed 35468861.

NM_001376.5(DYNC1H1):c.5645C>A (p.Thr1882Asn)

Gene: DYNC1H1 (dynein cytoplasmic 1 heavy chain 1; plus strand). Cytogenetic location: 14q32.31.
Variant type: single nucleotide variant.
Coding change: c.5645C>A on transcript NM_001376.5 (MANE Select); coding-DNA position 5645, C replaced by A.
Protein change: p.Thr1882Asn; replaces threonine 1882 with asparagine.
Molecular consequence: missense variant.
Genome position (GRCh38, 1-based): chr14:102,006,099, C>A. VCF-style: chr14-102006099-C-A. GRCh37 (hg19) VCF-style: chr14-102472436-C-A.
Other names: short protein forms T1882N.
Identifiers: ClinVar variation 3086436 (VCV003086436.1), dbSNP rs2503742080, ClinGen allele CA391049040.